The following is an entry in ClinVar:

NM_001378120.1(MBD5):c.665C>T (p.Pro222Leu)

Gene: MBD5 (methyl-CpG binding domain protein 5; plus strand). Cytogenetic location: 2q23.1.
Variant type: single nucleotide variant.
Coding change: c.665C>T on transcript NM_001378120.1 (MANE Select); coding-DNA position 665, C replaced by T.
Protein change: p.Pro222Leu; replaces proline 222 with leucine.
Molecular consequence: missense variant.
Genome position (GRCh38, 1-based): chr2:148,468,608, C>T. VCF-style: chr2-148468608-C-T. GRCh37 (hg19) VCF-style: chr2-149226177-C-T.
Other names: c.665C>T, p.Pro222Leu (NM_018328.5); short protein forms P222L.
Identifiers: ClinVar variation 2630578 (VCV002630578.2), dbSNP rs1680672477, ClinGen allele CA348717335.

ClinVar aggregate classification (germline): Uncertain significance (1 of 4 stars; one submission).

Conditions:
MBD5-related disorder. Also called: MBD5-related condition.

Submission:

PreventionGenetics, part of Exact Sciences
Classification: Uncertain significance for MBD5-related condition. Last evaluated: 2025-05-21. Review status: criteria provided, single submitter. Criteria: ACMG Guidelines, 2015. Collection method: clinical testing. Allele origin: germline.
Comment: The MBD5 c.665C>T variant is predicted to result in the amino acid substitution p.Pro222Leu. To our knowledge, this variant has not been reported in the literature or in a large population database (gnomAD), indicating it is rare. At this time, the clinical significance of this variant is uncertain due to the absence of conclusive functional and genetic evidence.